The following is an entry in ClinVar:

ClinVar aggregate classification (germline): Uncertain significance. Review status: criteria provided, single submitter (1 of 4 stars). 2 submissions from 2 submitters: Uncertain significance (1). 1 of the submissions does not count toward it. Last evaluated 2026-01-26.

Conditions:
PLXNA2-related disorder. Also called: PLXNA2-related condition.

Allele frequency attached by ClinVar (database versions not stated): gnomAD 0.00001; gnomAD exomes 0.00001; TOPMed 0.00003.
gnomAD v4.1: 18 of 1,613,752 alleles (0.0011%); highest among the groups gnomAD compares: Admixed American, 0.012%; no homozygotes.

Submissions (2):

Labcorp Genetics (formerly Invitae), Labcorp
Classification: Uncertain significance. Last evaluated: 2026-01-26. Review status: criteria provided, single submitter. Criteria: Invitae Variant Classification Sherloc (09022015). Collection method: clinical testing. Allele origin: germline.
Comment: This sequence change replaces serine, which is neutral and polar, with leucine, which is neutral and non-polar, at codon 321 of the PLXNA2 protein (p.Ser321Leu). The frequency data for this variant in the population databases is considered unreliable, as metrics indicate poor data quality at this position in the gnomAD database. This variant has not been reported in the literature in individuals affected with PLXNA2-related conditions. ClinVar contains an entry for this variant (Variation ID: 2983664). An algorithm developed to predict the effect of missense changes on protein structure and function (PolyPhen-2) suggests that this variant is likely to be tolerated. In summary, the available evidence is currently insufficient to determine the role of this variant in disease. Therefore, it has been classified as a Variant of Uncertain Significance.

PreventionGenetics, part of Exact Sciences
Classification: Uncertain significance for PLXNA2-related condition. Last evaluated: 2023-12-15. Review status: no assertion criteria provided. Collection method: clinical testing. Allele origin: germline. Not counted in ClinVar's aggregate classification.
Comment: The PLXNA2 c.962C>T variant is predicted to result in the amino acid substitution p.Ser321Leu. To our knowledge, this variant has not been reported in the literature. This variant is reported in 0.00088% of alleles in individuals of European (Non-Finnish) descent in gnomAD. At this time, the clinical significance of this variant is uncertain due to the absence of conclusive functional and genetic evidence.

NM_025179.4(PLXNA2):c.962C>T (p.Ser321Leu)

Gene: PLXNA2 (plexin A2; minus strand). Cytogenetic location: 1q32.2.
Variant type: single nucleotide variant.
Coding change: c.962C>T on transcript NM_025179.4 (MANE Select); coding-DNA position 962, C replaced by T.
Protein change: p.Ser321Leu; replaces serine 321 with leucine.
Molecular consequence: missense variant.
Genome position (GRCh38, 1-based): chr1:208,216,961, G>A on the plus strand (C>T on the coding strand, the complement: PLXNA2 is on the minus strand). VCF-style: chr1-208216961-G-A. GRCh37 (hg19) VCF-style: chr1-208390306-G-A.
Other names: c.962C>T (NM_025179.3); short protein forms S321L.
Identifiers: ClinVar variation 2983664 (VCV002983664.5), dbSNP rs1235773670, ClinGen allele CA344557902.
Genomic context (GRCh38, chr1:208,216,961, plus strand): 5'-TTGGAGAAGATGGCAAAGAGTACATCGTCCTGGCTGGTGATATTGAAGGCCTGGGCCAGT[G>A]AGTCCCCAGGCTTGGCCAGGTAAGCAGCCTGCAGGAGGCGGTATTCCACCCCGGCCCGGG-3'
Protein context (NP_079455.3, residues 311-331): QAAYLAKPGD[Ser321Leu]LAQAFNITSQ